The following is an entry in ClinVar:

ClinVar aggregate classification (germline): Uncertain significance (1 of 4 stars; one submission).

Allele frequency attached by ClinVar (database versions not stated): gnomAD 0.00001; ExAC 0.00002; 1000 Genomes Project 30x 0.00016; 1000 Genomes Project 0.00020.

Submission:

Labcorp Genetics (formerly Invitae), Labcorp
Classification: Uncertain significance. Last evaluated: 2022-12-30. Review status: criteria provided, single submitter. Criteria: Invitae Variant Classification Sherloc (09022015). Collection method: clinical testing. Allele origin: germline.
Comment: This sequence change replaces glutamine, which is neutral and polar, with leucine, which is neutral and non-polar, at codon 136 of the ADAMTS9 protein (p.Gln136Leu). This variant is present in population databases (rs575996606, gnomAD 0.01%). This variant has not been reported in the literature in individuals affected with ADAMTS9-related conditions. Algorithms developed to predict the effect of missense changes on protein structure and function (SIFT, PolyPhen-2, Align-GVGD) all suggest that this variant is likely to be tolerated. In summary, the available evidence is currently insufficient to determine the role of this variant in disease. Therefore, it has been classified as a Variant of Uncertain Significance.

NM_182920.2(ADAMTS9):c.407A>T (p.Gln136Leu)

Genes: ADAMTS9 (ADAM metallopeptidase with thrombospondin type 1 motif 9; minus strand), ADAMTS9-AS2 (ADAMTS9 antisense RNA 2; plus strand). Cytogenetic location: 3p14.1.
Variant type: single nucleotide variant.
Coding change: c.407A>T on transcript NM_182920.2 (MANE Select); coding-DNA position 407, A replaced by T.
Protein change: p.Gln136Leu; replaces glutamine 136 with leucine.
Molecular consequence: missense variant.
Genome position (GRCh38, 1-based): chr3:64,686,677, T>A on the plus strand (A>T on the coding strand, the complement: ADAMTS9 is on the minus strand). VCF-style: chr3-64686677-T-A. GRCh37 (hg19) VCF-style: chr3-64672353-T-A.
Other names: c.407A>T, p.Gln136Leu (NM_001318781.2); short protein forms Q136L.
Identifiers: ClinVar variation 2778070 (VCV002778070.3), dbSNP rs575996606, ClinGen allele CA2481878.